The following is an entry in ClinVar:

ClinVar aggregate classification (germline): Uncertain significance (1 of 4 stars; one submission).

Conditions:
DICER1-related tumor predisposition. Also called: DICER1-related pleuropulmonary blastoma cancer predisposition syndrome; DICER1 syndrome. Identifiers: Orphanet 284343, MedGen C3839822, MONDO:0100216.

Submission:

Labcorp Genetics (formerly Invitae), Labcorp
Classification: Uncertain significance for DICER1-related tumor predisposition. Last evaluated: 2023-06-19. Review status: criteria provided, single submitter. Criteria: Invitae Variant Classification Sherloc (09022015). Collection method: clinical testing. Allele origin: germline.
Comment: This variant, c.3580_3582dup, results in the insertion of 1 amino acid(s) of the DICER1 protein (p.Arg1194dup), but otherwise preserves the integrity of the reading frame. This variant is not present in population databases (gnomAD no frequency). This variant has not been reported in the literature in individuals affected with DICER1-related conditions. In summary, the available evidence is currently insufficient to determine the role of this variant in disease. Therefore, it has been classified as a Variant of Uncertain Significance.

NM_177438.3(DICER1):c.3580_3582dup (p.Arg1194_Asp1195insArg)

Gene: DICER1 (dicer 1, ribonuclease III; minus strand). Cytogenetic location: 14q32.13.
Variant type: Duplication.
Coding change: c.3580_3582dup on transcript NM_177438.3 (MANE Select); coding-DNA positions 3580 to 3582, 3 bases duplicated (AGA; older notation c.3580_3582dupAGA).
Protein change: p.Arg1194_Asp1195insArg.
Molecular consequence: inframe insertion. On other transcripts: inframe indel (1), non-coding transcript variant (6).
Genome position (GRCh38, 1-based): chr14:95,103,814-95,103,816, TCT duplicated on the plus strand (AGA on the coding strand, the reverse complement: DICER1 is on the minus strand). VCF-style (leftmost placement, unchanged base first): chr14-95103813-C-CTCT. GRCh37 (hg19) VCF-style: chr14-95570150-C-CTCT.
Other names: c.3013_3015dup, p.Arg1005_Asp1006insArg (NM_001395691.1); c.3580_3582dup, p.Arg1194_Asp1195insArg (NM_001395692.1, NM_001395693.1, NM_001395694.1 and 13 more transcripts); c.3298_3300dup, p.Arg1100_Asp1101insArg (NM_001395686.1); c.3175_3177dup, p.Arg1059_Asp1060insArg (NM_001395687.1, NM_001395688.1, NM_001395689.1 and 2 more transcripts); c.1897_1899dup, p.Arg633_Asp634insArg (NM_001395697.1).
Identifiers: ClinVar variation 2719387 (VCV002719387.3), dbSNP rs2542707451, ClinGen allele CA2697554162.